The following is an entry in ClinVar:

NM_152415.3(VPS37A):c.641C>T (p.Pro214Leu)

Gene: VPS37A (VPS37A subunit of ESCRT-I; plus strand). Cytogenetic location: 8p22.
Variant type: single nucleotide variant.
Coding change: c.641C>T on transcript NM_152415.3 (MANE Select); coding-DNA position 641, C replaced by T.
Protein change: p.Pro214Leu; replaces proline 214 with leucine.
Molecular consequence: missense variant.
Genome position (GRCh38, 1-based): chr8:17,274,957, C>T. VCF-style: chr8-17274957-C-T. GRCh37 (hg19) VCF-style: chr8-17132466-C-T.
Other names: c.566C>T, p.Pro189Leu (NM_001145152.2); c.641C>T, p.Pro214Leu (NM_001363167.1, NM_001363173.2); c.371C>T, p.Pro124Leu (NM_001363168.1, NM_001363169.1, NM_001363170.1 and 2 more transcripts); short protein forms P189L, P214L, P124L.
Identifiers: ClinVar variation 2243474 (VCV002243474.5), dbSNP rs145870117, ClinGen allele CA4643374.

ClinVar aggregate classification (germline): Uncertain significance. Review status: criteria provided, multiple submitters, no conflicts (2 of 4 stars). 2 submissions from 2 submitters: Uncertain significance (2). Last evaluated 2023-09-13.

Conditions:
Hereditary spastic paraplegia 53. Also called: Spastic paraplegia 53, autosomal recessive. Identifiers: Orphanet 319199, MedGen C3539494, MONDO:0013962, OMIM 614898.

Allele frequency attached by ClinVar (database versions not stated): gnomAD 0.00001; TOPMed 0.00002; ExAC 0.00005; ESP Exome Variant Server 0.00015.
gnomAD v4.1: 55 of 1,613,034 alleles (0.0034%); highest among the groups gnomAD compares: South Asian, 0.0077%; no homozygotes.

Submissions (2):

Labcorp Genetics (formerly Invitae), Labcorp
Classification: Uncertain significance for Hereditary spastic paraplegia 53. Last evaluated: 2023-09-13. Review status: criteria provided, single submitter. Criteria: Invitae Variant Classification Sherloc (09022015). Collection method: clinical testing. Allele origin: germline.
Comment: In summary, the available evidence is currently insufficient to determine the role of this variant in disease. Therefore, it has been classified as a Variant of Uncertain Significance. Algorithms developed to predict the effect of missense changes on protein structure and function output the following: SIFT: "Not Available"; PolyPhen-2: "Benign"; Align-GVGD: "Not Available". The leucine amino acid residue is found in multiple mammalian species, which suggests that this missense change does not adversely affect protein function. ClinVar contains an entry for this variant (Variation ID: 2243474). This variant has not been reported in the literature in individuals affected with VPS37A-related conditions. This variant is present in population databases (rs145870117, gnomAD 0.006%). This sequence change replaces proline, which is neutral and non-polar, with leucine, which is neutral and non-polar, at codon 214 of the VPS37A protein (p.Pro214Leu).

Ambry Genetics
Classification: Uncertain significance. Last evaluated: 2021-08-12. Review status: criteria provided, single submitter. Criteria: Ambry Variant Classification Scheme 2023. Collection method: clinical testing. Allele origin: germline.